The following is an entry in ClinVar:

ClinVar aggregate classification (germline): Uncertain significance (1 of 4 stars; one submission).

Submission:

Labcorp Genetics (formerly Invitae), Labcorp
Classification: Uncertain significance. Last evaluated: 2026-01-09. Review status: criteria provided, single submitter. Criteria: Invitae Variant Classification Sherloc (09022015). Collection method: clinical testing. Allele origin: germline.
Comment: This sequence change replaces isoleucine, which is neutral and non-polar, with methionine, which is neutral and non-polar, at codon 172 of the RIN2 protein (p.Ile172Met). This variant is not present in population databases (gnomAD no frequency). This variant has not been reported in the literature in individuals affected with RIN2-related conditions. Experimental studies and prediction algorithms are not available or were not evaluated, and the functional significance of this variant is currently unknown. In summary, the available evidence is currently insufficient to determine the role of this variant in disease. Therefore, it has been classified as a Variant of Uncertain Significance.

NM_018993.4(RIN2):c.516T>G (p.Ile172Met)

Gene: RIN2 (Ras and Rab interactor 2; plus strand). Cytogenetic location: 20p11.23.
Variant type: single nucleotide variant.
Coding change: c.516T>G on transcript NM_018993.4 (MANE Select); coding-DNA position 516, T replaced by G.
Protein change: p.Ile172Met; replaces isoleucine 172 with methionine.
Molecular consequence: missense variant. On other transcripts: intron variant (1).
Genome position (GRCh38, 1-based): chr20:19,965,004, T>G. VCF-style: chr20-19965004-T-G. GRCh37 (hg19) VCF-style: chr20-19945648-T-G.
Other names: c.663T>G, p.Ile221Met (NM_001242581.2); c.-83+4193T>G (NM_001378238.1); short protein forms I172M, I221M.
Identifiers: ClinVar variation 4774939 (VCV004774939.1).
Genomic context (GRCh38, chr20:19,965,004, plus strand): 5'-TTTTCCAGCCTTTTCCCTGGAAGGCTCAGGAATCAGTTTCGCAGATTTATTCCGGCTCAT[T>G]GCTTTCTACTGCATCAGCAGGTAAGGCCTCTTCCTCTCATATGGTTTCAAGGCCCTGTTT-3'
Protein context (NP_061866.1, residues 162-182): GISFADLFRL[Ile172Met]AFYCISRDVL